The following is an entry in ClinVar:

NM_033109.5(PNPT1):c.172A>G (p.Ile58Val)

Gene: PNPT1 (polyribonucleotide nucleotidyltransferase 1; minus strand). Cytogenetic location: 2p16.1.
Variant type: single nucleotide variant.
Coding change: c.172A>G on transcript NM_033109.5 (MANE Select); coding-DNA position 172, A replaced by G.
Protein change: p.Ile58Val; replaces isoleucine 58 with valine.
Molecular consequence: missense variant.
Genome position (GRCh38, 1-based): chr2:55,687,695, T>C on the plus strand (A>G on the coding strand, the complement: PNPT1 is on the minus strand). VCF-style: chr2-55687695-T-C. GRCh37 (hg19) VCF-style: chr2-55914830-T-C.
Other names: short protein forms I58V.
Identifiers: ClinVar variation 2132170 (VCV002132170.4), dbSNP rs2529627745, ClinGen allele CA346943263.

ClinVar aggregate classification (germline): Uncertain significance (1 of 4 stars; one submission).

Submission:

Labcorp Genetics (formerly Invitae), Labcorp
Classification: Uncertain significance. Last evaluated: 2022-04-30. Review status: criteria provided, single submitter. Criteria: Invitae Variant Classification Sherloc (09022015). Collection method: clinical testing. Allele origin: germline.
Comment: In summary, the available evidence is currently insufficient to determine the role of this variant in disease. Therefore, it has been classified as a Variant of Uncertain Significance. Advanced modeling of protein sequence and biophysical properties (such as structural, functional, and spatial information, amino acid conservation, physicochemical variation, residue mobility, and thermodynamic stability) performed at Invitae indicates that this missense variant is not expected to disrupt PNPT1 protein function. This variant has not been reported in the literature in individuals affected with PNPT1-related conditions. This variant is not present in population databases (gnomAD no frequency). This sequence change replaces isoleucine, which is neutral and non-polar, with valine, which is neutral and non-polar, at codon 58 of the PNPT1 protein (p.Ile58Val).